The following is an entry in ClinVar:

ClinVar aggregate classification (germline): Uncertain significance. Review status: criteria provided, multiple submitters, no conflicts (2 of 4 stars). 2 submissions from 2 submitters: Uncertain significance (2). Last evaluated 2025-11-09.

Conditions:
Hereditary cancer-predisposing syndrome. Also called: Neoplastic Syndromes, Hereditary; Tumor predisposition; Hereditary Cancer Syndrome; Hereditary neoplastic syndrome. Identifiers: Orphanet 140162, MedGen C0027672, MeSH D009386, MONDO:0015356.
Familial cancer of breast. Also called: hereditary breast carcinoma; BREAST CANCER, FAMILIAL; Hereditary breast cancer. Identifiers: Orphanet 227535, MedGen C0346153, MONDO:0016419, OMIM 114480. Disease mechanism: loss of function.

Submissions (2):

Labcorp Genetics (formerly Invitae), Labcorp
Classification: Uncertain significance for Familial cancer of breast. Last evaluated: 2025-11-09. Review status: criteria provided, single submitter. Criteria: Invitae Variant Classification Sherloc (09022015). Collection method: clinical testing. Allele origin: germline.
Comment: This sequence change replaces aspartic acid, which is acidic and polar, with tyrosine, which is neutral and polar, at codon 595 of the PALB2 protein (p.Asp595Tyr). This variant is not present in population databases (gnomAD no frequency). This variant has not been reported in the literature in individuals affected with PALB2-related conditions. ClinVar contains an entry for this variant (Variation ID: 2832003). Invitae Evidence Modeling of protein sequence and biophysical properties (such as structural, functional, and spatial information, amino acid conservation, physicochemical variation, residue mobility, and thermodynamic stability) indicates that this missense variant is not expected to disrupt PALB2 protein function with a negative predictive value of 80%. Algorithms developed to predict the effect of sequence changes on RNA splicing suggest that this variant may create or strengthen a splice site. In summary, the available evidence is currently insufficient to determine the role of this variant in disease. Therefore, it has been classified as a Variant of Uncertain Significance.

Ambry Genetics
Classification: Uncertain significance for Hereditary cancer-predisposing syndrome. Last evaluated: 2024-09-09. Review status: criteria provided, single submitter. Criteria: Ambry Variant Classification Scheme 2023. Collection method: clinical testing. Allele origin: germline.
Comment: The p.D595Y variant (also known as c.1783G>T), located in coding exon 5 of the PALB2 gene, results from a G to T substitution at nucleotide position 1783. The aspartic acid at codon 595 is replaced by tyrosine, an amino acid with highly dissimilar properties. This amino acid position is poorly conserved in available vertebrate species. In addition, this alteration is predicted to be tolerated by in silico analysis. Based on the available evidence, the clinical significance of this variant remains unclear.

NM_024675.4(PALB2):c.1783G>T (p.Asp595Tyr)

Gene: PALB2 (partner and localizer of BRCA2; minus strand). Cytogenetic location: 16p12.2.
Variant type: single nucleotide variant.
Coding change: c.1783G>T on transcript NM_024675.4 (MANE Select); coding-DNA position 1783, G replaced by T.
Protein change: p.Asp595Tyr; replaces aspartic acid 595 with tyrosine.
Molecular consequence: missense variant. On other transcripts: 5 prime UTR variant (2), intron variant (1).
Genome position (GRCh38, 1-based): chr16:23,630,371, C>A on the plus strand (G>T on the coding strand, the complement: PALB2 is on the minus strand). VCF-style: chr16-23630371-C-A. GRCh37 (hg19) VCF-style: chr16-23641692-C-A.
Other names: c.1723G>T, p.Asp575Tyr (NM_001407296.1); c.1783G>T, p.Asp595Tyr (NM_001407297.1, NM_001407298.1, NM_001407299.1 and 3 more transcripts); c.898G>T, p.Asp300Tyr (NM_001407304.1, NM_001407305.1, NM_001407306.1 and 5 more transcripts); c.-6G>T (NM_001407312.1, NM_001407313.1); c.49-1096G>T (NM_001407314.1); short protein forms D300Y, D595Y, D575Y.
Identifiers: ClinVar variation 2832003 (VCV002832003.4), dbSNP rs1555460653, ClinGen allele CA395128124.
Genomic context (GRCh38, chr16:23,630,371, plus strand): 5'-GTAACTGAAAGTCTGTGATACTGAGAAAAGACAGTAGTTGCTTTAAACTCAGCATTCCAT[C>A]CCTATGAAATGGAGCCGTGAAAGCATCATCATCCAAGGATAAATAAGCACTATTACTCCA-3'
Protein context (NP_078951.2, residues 585-605): DDAFTAPFHR[Asp595Tyr]GMLSLKQLLS